The following is an entry in ClinVar:

ClinVar aggregate classification (germline): Uncertain significance. Review status: criteria provided, multiple submitters, no conflicts (2 of 4 stars). 2 submissions from 2 submitters: Uncertain significance (2). Last evaluated 2023-08-11.

Conditions:
Long QT syndrome (LQTS). Identifiers: MedGen C0023976, MeSH D008133, MONDO:0002442. Disease mechanism: loss of function. Inheritance: Various modes of inheritance.

Allele frequency attached by ClinVar (database versions not stated): gnomAD exomes below 0.00001.
gnomAD v4.1: 4 of 1,613,884 alleles (0.00025%); highest among the groups gnomAD compares: Non-Finnish European, 0.00034%; no homozygotes.

Submissions (2):

Labcorp Genetics (formerly Invitae), Labcorp
Classification: Uncertain significance for Long QT syndrome. Last evaluated: 2023-08-11. Review status: criteria provided, single submitter. Criteria: Invitae Variant Classification Sherloc (09022015). Collection method: clinical testing. Allele origin: germline.
Comment: In summary, the available evidence is currently insufficient to determine the role of this variant in disease. Therefore, it has been classified as a Variant of Uncertain Significance. An algorithm developed to predict the effect of missense changes on protein structure and function (PolyPhen-2) suggests that this variant is likely to be disruptive. ClinVar contains an entry for this variant (Variation ID: 928691). This variant has not been reported in the literature in individuals affected with AKAP9-related conditions. This variant is not present in population databases (gnomAD no frequency). This sequence change replaces asparagine, which is neutral and polar, with serine, which is neutral and polar, at codon 2298 of the AKAP9 protein (p.Asn2298Ser).

Women's Health and Genetics/Laboratory Corporation of America, LabCorp
Classification: Uncertain significance. Last evaluated: 2019-11-05. Review status: criteria provided, single submitter. Criteria: LabCorp Variant Classification Summary - May 2015. Collection method: clinical testing. Allele origin: germline.
Comment: Variant summary: AKAP9 c.6893A>G (p.Asn2298Ser) results in a conservative amino acid change in the encoded protein sequence. Four of five in-silico tools predict a benign effect of the variant on protein function. The variant was absent in 250714 control chromosomes (gnomAD). The available data on variant occurrences in the general population are insufficient to allow any conclusion about variant significance. To our knowledge, no occurrence of c.6893A>G in individuals affected with Arrhythmia and no experimental evidence demonstrating its impact on protein function have been reported. No clinical diagnostic laboratories have submitted clinical-significance assessments for this variant to ClinVar after 2014. Based on the evidence outlined above, the variant was classified as uncertain significance.

NM_005751.5(AKAP9):c.6893A>G (p.Asn2298Ser)

Gene: AKAP9 (A-kinase anchoring protein 9; plus strand). Cytogenetic location: 7q21.2.
Variant type: single nucleotide variant.
Coding change: c.6893A>G on transcript NM_005751.5 (MANE Select); coding-DNA position 6893, A replaced by G.
Protein change: p.Asn2298Ser; replaces asparagine 2298 with serine.
Molecular consequence: missense variant.
Genome position (GRCh38, 1-based): chr7:92,077,823, A>G. VCF-style: chr7-92077823-A-G. GRCh37 (hg19) VCF-style: chr7-91707137-A-G.
Other names: c.1538A>G, p.Asn513Ser (NM_001379277.1); c.6869A>G, p.Asn2290Ser (NM_147185.3); short protein forms N2290S, N2298S, N513S.
Identifiers: ClinVar variation 928691 (VCV000928691.4), dbSNP rs1812855960, ClinGen allele CA368133829.
Genomic context (GRCh38, chr7:92,077,823, plus strand): 5'-TGCTATTTGGGAAATTTGCTCAAATAATACAGGAAAAAGAGGTAGAAATTGACCAATTAA[A>G]TGAACAAGTTACGAAACTCCAGCAGCAACTTAAAATTACAACAGATAACAAGGTATACTC-3'
Protein context (NP_005742.4, residues 2288-2308): QEKEVEIDQL[Asn2298Ser]EQVTKLQQQL